The following is an entry in ClinVar:

ClinVar aggregate classification (germline): Uncertain significance. Review status: criteria provided, multiple submitters, no conflicts (2 of 4 stars). 2 submissions from 2 submitters: Uncertain significance (2). Last evaluated 2024-11-29.

Conditions:
Inborn genetic diseases. Identifiers: MedGen C0950123, MeSH D030342.
CRYBB2-related disorder. Also called: CRYBB2-related condition.

Allele frequency attached by ClinVar (database versions not stated): gnomAD exomes below 0.00001; ExAC 0.00001.
gnomAD v4.1: 6 of 1,613,678 alleles (0.00037%); highest among the groups gnomAD compares: East Asian, 0.0089%; no homozygotes.

Submissions (2):

PreventionGenetics, part of Exact Sciences
Classification: Uncertain significance for CRYBB2-related condition. Last evaluated: 2024-11-29. Review status: criteria provided, single submitter. Criteria: ACMG Guidelines, 2015. Collection method: clinical testing. Allele origin: germline.
Comment: The CRYBB2 c.119A>G variant is predicted to result in the amino acid substitution p.Asn40Ser. To our knowledge, this variant has not been reported in the literature. This variant is reported in 0.0054% of alleles in individuals of East Asian descent in gnomAD. At this time, the clinical significance of this variant is uncertain due to the absence of conclusive functional and genetic evidence.

Ambry Genetics
Classification: Uncertain significance for Inborn genetic diseases. Last evaluated: 2023-11-27. Review status: criteria provided, single submitter. Criteria: Ambry Variant Classification Scheme 2023. Collection method: clinical testing. Allele origin: germline.

NM_000496.3(CRYBB2):c.119A>G (p.Asn40Ser)

Gene: CRYBB2 (crystallin beta B2; plus strand). Cytogenetic location: 22q11.23.
Variant type: single nucleotide variant.
Coding change: c.119A>G on transcript NM_000496.3 (MANE Select); coding-DNA position 119, A replaced by G.
Protein change: p.Asn40Ser; replaces asparagine 40 with serine.
Molecular consequence: missense variant.
Genome position (GRCh38, 1-based): chr22:25,224,982, A>G. VCF-style: chr22-25224982-A-G. GRCh37 (hg19) VCF-style: chr22-25620949-A-G.
Other names: short protein forms N40S.
Identifiers: ClinVar variation 3077712 (VCV003077712.2), dbSNP rs749022256, ClinGen allele CA10157938.
Genomic context (GRCh38, chr22:25,224,982, plus strand): 5'-TCATCTTTGAGCAGGAAAACTTTCAAGGCCACTCGCATGAGCTCAATGGGCCCTGCCCCA[A>G]CCTGAAGGAAACTGGCGTGGAGAAGGCAGGTTCTGTCCTAGTGCAGGCTGGACCGTAAGT-3'
Protein context (NP_000487.1, residues 30-50): HSHELNGPCP[Asn40Ser]LKETGVEKAG